The following is an entry in ClinVar:

NM_032208.3(ANTXR1):c.1089+2083T>C

Gene: ANTXR1 (ANTXR cell adhesion molecule 1; plus strand). Cytogenetic location: 2p13.3.
Variant type: single nucleotide variant.
Coding change: c.1089+2083T>C on transcript NM_032208.3 (MANE Select); 2083 bases into the intron after coding-DNA position 1089, T replaced by C.
Molecular consequence: intron variant. On other transcripts: synonymous variant (1).
Genome position (GRCh38, 1-based): chr2:69,172,372, T>C. VCF-style: chr2-69172372-T-C. GRCh37 (hg19) VCF-style: chr2-69399504-T-C.
Other names: c.1095T>C, p.Asn365= (NM_053034.2).
Identifiers: ClinVar variation 3050550 (VCV003050550.3), dbSNP rs368125397, ClinGen allele CA1693220.

ClinVar aggregate classification (germline): Likely benign. Review status: criteria provided, single submitter (1 of 4 stars). 2 submissions from 2 submitters: Likely benign (1). 1 of the submissions does not count toward it. Last evaluated 2024-11-07.

Conditions:
ANTXR1-related disorder. Also called: ANTXR1-related condition.

Allele frequency attached by ClinVar (database versions not stated): TOPMed 0.00015; 1000 Genomes Project 30x 0.00016; ESP Exome Variant Server 0.00017; 1000 Genomes Project 0.00020; gnomAD 0.00020; gnomAD exomes 0.00027; ExAC 0.00042.
gnomAD v4.1: 438 of 1,610,146 alleles (0.027%); highest among the groups gnomAD compares: Middle Eastern, 0.76%; 2 homozygotes.

Submissions (2):

Blueprint Genetics
Classification: Likely benign. Last evaluated: 2024-11-07. Review status: criteria provided, single submitter. Criteria: ACMG Guidelines, 2015. Collection method: clinical testing. Allele origin: germline.

PreventionGenetics, part of Exact Sciences
Classification: Likely benign for ANTXR1-related condition. Last evaluated: 2019-10-31. Review status: no assertion criteria provided. Collection method: clinical testing. Allele origin: germline. Not counted in ClinVar's aggregate classification.
Comment: This variant is classified as likely benign based on ACMG/AMP sequence variant interpretation guidelines (Richards et al. 2015 PMID: 25741868, with internal and published modifications).